The following is an entry in ClinVar:

NM_178857.6(RP1L1):c.2107C>G (p.Arg703Gly)

Gene: RP1L1 (RP1 like 1). Cytogenetic location: 8p23.1.
Variant type: single nucleotide variant.
Coding change: c.2107C>G on transcript NM_178857.6 (MANE Select); coding-DNA position 2107, C replaced by G.
Protein change: p.Arg703Gly; replaces arginine 703 with glycine.
Molecular consequence: missense variant.
Genome position (GRCh38, 1-based): chr8:10,611,991, G>C on the plus strand (C>G on the coding strand, the complement: RP1L1 is on the minus strand). VCF-style: chr8-10611991-G-C. GRCh37 (hg19) VCF-style: chr8-10469501-G-C.
Other names: c.2107C>G (NM_178857.5); short protein forms R703G.
Identifiers: ClinVar variation 4899320 (VCV004899320.2).
Genomic context (GRCh38, chr8:10,611,991, plus strand): 5'-AGGGAGGTCTCAGGTTCCCAGAGGCCTGTGTCCTGGTGCTCGATGAGCTTCCAGAATATC[G>C]TGGCACTGAGCCATCCTGGCAGGCCCTTCGCCGCTCAGGAGGCCTCGGCACTTGCTTGGT-3'
Protein context (NP_849188.4, residues 693-713): RRACQDGSVP[Arg703Gly]YSGSSSSTRT

ClinVar aggregate classification (germline): Uncertain significance. Review status: criteria provided, multiple submitters, no conflicts (2 of 4 stars). 2 submissions from 2 submitters: Uncertain significance (2). Last evaluated 2026-06-08.

Conditions:
RP1L1-related disorder. Also called: RP1L1-related condition.

gnomAD v4.1: 41 of 1,613,760 alleles (0.0025%); highest among the groups gnomAD compares: South Asian, 0.022%; 1 homozygote.

Submissions (2):

PreventionGenetics, part of Exact Sciences
Classification: Uncertain significance for RP1L1-related condition. Last evaluated: 2026-06-08. Review status: criteria provided, single submitter. Criteria: ACMG Guidelines, 2015. Collection method: clinical testing. Allele origin: germline.
Comment: The RP1L1 c.2107C>G variant is predicted to result in the amino acid substitution p.Arg703Gly. To our knowledge, this variant has not been reported in the literature. This variant is present in 0.016% of alleles in individuals of South Asian descent in gnomAD. At this time, the clinical significance of this variant is uncertain due to the absence of conclusive functional and genetic evidence.

Blueprint Genetics
Classification: Uncertain significance. Last evaluated: 2024-02-19. Review status: criteria provided, single submitter. Criteria: ACMG Guidelines, 2015. Collection method: clinical testing. Allele origin: germline.